The following is an entry in ClinVar:

NM_000256.3(MYBPC3):c.603del (p.Ser201fs)

Gene: MYBPC3 (myosin binding protein C3; minus strand). Cytogenetic location: 11p11.2.
Variant type: Deletion.
Coding change: c.603del on transcript NM_000256.3 (MANE Select); coding-DNA position 603, one base deleted (C; older notation c.603delC).
Protein change: p.Ser201fs; shifts the reading frame from serine 201.
Molecular consequence: frameshift variant.
Genome position (GRCh38, 1-based): chr11:47,349,825, G deleted on the plus strand (C on the coding strand, the reverse complement: MYBPC3 is on the minus strand). VCF-style (leftmost placement, unchanged base first): chr11-47349824-TG-T. GRCh37 (hg19) VCF-style: chr11-47371375-TG-T.
Other names: short protein forms S201fs.
Identifiers: ClinVar variation 2695123 (VCV002695123.3), dbSNP rs2495780509, ClinGen allele CA2697548556.

ClinVar aggregate classification (germline): Pathogenic (1 of 4 stars; one submission).

Conditions:
Hypertrophic cardiomyopathy. Also called: HYPERTROPHIC MYOCARDIOPATHY. Identifiers: Orphanet 217569, MedGen C0007194, MeSH D002312, MONDO:0005045, HP:0001639.

Submission:

Labcorp Genetics (formerly Invitae), Labcorp
Classification: Pathogenic for Hypertrophic cardiomyopathy. Last evaluated: 2023-11-11. Review status: criteria provided, single submitter. Criteria: Invitae Variant Classification Sherloc (09022015). Collection method: clinical testing. Allele origin: germline.
Comment: This sequence change creates a premature translational stop signal (p.Ser201Argfs*99) in the MYBPC3 gene. It is expected to result in an absent or disrupted protein product. Loss-of-function variants in MYBPC3 are known to be pathogenic (PMID: 19574547). This variant is not present in population databases (gnomAD no frequency). This variant has not been reported in the literature in individuals affected with MYBPC3-related conditions. For these reasons, this variant has been classified as Pathogenic.

Literature cited by the submitters: PubMed 19574547.